The following is an entry in ClinVar:

NM_000135.4(FANCA):c.1940A>G (p.Glu647Gly)

Gene: FANCA (FA complementation group A; minus strand). Cytogenetic location: 16q24.3.
Variant type: single nucleotide variant.
Coding change: c.1940A>G on transcript NM_000135.4 (MANE Select); coding-DNA position 1940, A replaced by G.
Protein change: p.Glu647Gly; replaces glutamic acid 647 with glycine.
Molecular consequence: missense variant.
Genome position (GRCh38, 1-based): chr16:89,773,345, T>C on the plus strand (A>G on the coding strand, the complement: FANCA is on the minus strand). VCF-style: chr16-89773345-T-C. GRCh37 (hg19) VCF-style: chr16-89839753-T-C.
Other names: c.1940A>G (NM_000135.2); c.1940A>G, p.Glu647Gly (NM_001286167.3); short protein forms E647G.
Identifiers: ClinVar variation 1056006 (VCV001056006.14), dbSNP rs1374330952, ClinGen allele CA397450157.
Genomic context (GRCh38, chr16:89,773,345, plus strand): 5'-GGGTCTGTCATGGAGGCTCTCAGCTCTCCCAGTGCAGCTGTGAGCTGTCCCAGGGGCTCC[T>C]CAGCAGAGTTGGGTTCTGCCCTCACTCCCAGGGCTGCATCTGTGAGAAGAAGGAAGAAAC-3'
Protein context (NP_000126.2, residues 637-657): LGVRAEPNSA[Glu647Gly]EPLGQLTAAL

ClinVar aggregate classification (germline): Uncertain significance. Review status: criteria provided, multiple submitters, no conflicts (2 of 4 stars). 4 submissions from 4 submitters: Uncertain significance (3). 1 of the submissions does not count toward it. Last evaluated 2024-11-28.

Conditions:
Inborn genetic diseases. Identifiers: MedGen C0950123, MeSH D030342.
Fanconi anemia (FA). Also called: Fanconi's anemia. Identifiers: Orphanet 84, MedGen C0015625, MeSH D005199, MONDO:0019391.
Fanconi anemia complementation group A (FANCA). Also called: Fanconi anemia, group A; FANCA-Related Fanconi Anemia. Identifiers: Orphanet 84, MedGen C3469521, MONDO:0009215, OMIM 227650.

Submissions (4):

Ambry Genetics
Classification: Uncertain significance for Inborn genetic diseases. Last evaluated: 2024-11-28. Review status: criteria provided, single submitter. Criteria: Ambry Variant Classification Scheme 2023. Collection method: clinical testing. Allele origin: germline.
Comment: The p.E647G variant (also known as c.1940A>G), located in coding exon 22 of the FANCA gene, results from an A to G substitution at nucleotide position 1940. The glutamic acid at codon 647 is replaced by glycine, an amino acid with similar properties. This amino acid position is conserved. In addition, this alteration is predicted to be tolerated by in silico analysis. Based on the available evidence, the clinical significance of this variant remains unclear.

Fulgent Genetics
Classification: Uncertain significance for Fanconi anemia complementation group A. Last evaluated: 2024-04-12. Review status: criteria provided, single submitter. Criteria: ACMG Guidelines, 2015. Collection method: clinical testing. Allele origin: germline.

Labcorp Genetics (formerly Invitae), Labcorp
Classification: Uncertain significance for Fanconi anemia. Last evaluated: 2020-01-10. Review status: criteria provided, single submitter. Criteria: Invitae Variant Classification Sherloc (09022015). Collection method: clinical testing. Allele origin: germline.
Comment: This variant is not present in population databases (ExAC no frequency). This sequence change replaces glutamic acid with glycine at codon 647 of the FANCA protein (p.Glu647Gly). The glutamic acid residue is weakly conserved and there is a moderate physicochemical difference between glutamic acid and glycine. This variant has not been reported in the literature in individuals with FANCA-related conditions. In summary, the available evidence is currently insufficient to determine the role of this variant in disease. Therefore, it has been classified as a Variant of Uncertain Significance. Algorithms developed to predict the effect of missense changes on protein structure and function output the following: SIFT: "Tolerated"; PolyPhen-2: "Benign"; Align-GVGD: "Class C0". The glycine amino acid residue is found in multiple mammalian species, suggesting that this missense change does not adversely affect protein function. These predictions have not been confirmed by published functional studies and their clinical significance is uncertain.

Natera, Inc.
Classification: Uncertain significance for Fanconi anemia. Last evaluated: 2021-07-21. Review status: no assertion criteria provided. Collection method: clinical testing. Allele origin: germline. Not counted in ClinVar's aggregate classification.